The following is an entry in ClinVar:

ClinVar aggregate classification (germline): Uncertain significance. Review status: criteria provided, single submitter (1 of 4 stars). 2 submissions from 2 submitters: Uncertain significance (1). 1 of the submissions does not count toward it. Last evaluated 2025-03-22.

Conditions:
Multiple myeloma (MM). Also called: Plasma cell myeloma; Multiple myeloma, somatic. Identifiers: Orphanet 29073, Orphanet 85443, MedGen C0026764, MeSH D009101, MONDO:0009693, OMIM 254500, HP:0006775.

Submissions (2):

Ambry Genetics
Classification: Uncertain significance. Last evaluated: 2025-03-22. Review status: criteria provided, single submitter. Criteria: Ambry Variant Classification Scheme 2023. Collection method: clinical testing. Allele origin: germline.
Comment: The p.P480S variant (also known as c.1438C>T), located in coding exon 1 of the TET2 gene, results from a C to T substitution at nucleotide position 1438. The proline at codon 480 is replaced by serine, an amino acid with similar properties. This amino acid position is conserved. In addition, this alteration is predicted to be tolerated by in silico analysis. Based on the available evidence, the clinical significance of this variant remains unclear.

Xiao lab, Department of Pathology, Memorial Sloan Kettering Cancer Center
Classification: Likely pathogenic for Multiple myeloma. Last evaluated: 2019-08-31. Review status: no assertion criteria provided. Collection method: clinical testing. Allele origin: somatic. Affected: yes. Not counted in ClinVar's aggregate classification.

NM_001127208.3(TET2):c.1438C>T (p.Pro480Ser)

Genes: TET2 (tet methylcytosine dioxygenase 2; plus strand), TET2-AS1 (TET2 antisense RNA 1; minus strand). Cytogenetic location: 4q24.
Variant type: single nucleotide variant.
Coding change: c.1438C>T on transcript NM_001127208.3 (MANE Select); coding-DNA position 1438, C replaced by T.
Protein change: p.Pro480Ser; replaces proline 480 with serine.
Molecular consequence: missense variant.
Genome position (GRCh38, 1-based): chr4:105,235,380, C>T. VCF-style: chr4-105235380-C-T. GRCh37 (hg19) VCF-style: chr4-106156537-C-T.
Other names: c.1438C>T, p.Pro480Ser (NM_017628.4); c.1438C>T (NM_001127208.2); short protein forms P480S.
Identifiers: ClinVar variation 800332 (VCV000800332.2), dbSNP rs1578673280, ClinGen allele CA357794774.
Genomic context (GRCh38, chr4:105,235,380, plus strand): 5'-TCCCAGAGTCCTAATCCATCTACACATGTATGCAGCCCTTCTCCGATGCTTTCTGAAAGG[C>T]CTCAGAATAATTGTGTGAACAGGAATGACATACAGACTGCAGGGACAATGACTGTTCCAT-3'
Protein context (NP_001120680.1, residues 470-490): CSPSPMLSER[Pro480Ser]QNNCVNRNDI